The following continues an entry in ClinVar:

NM_000431.4(MVK):c.1129G>A (p.Val377Ile)

Gene: MVK. ClinVar aggregate classification (germline): Pathogenic/Likely pathogenic. Pathogenic (41); Likely pathogenic (5).

Submissions 26 to 41 of 54:

Victorian Clinical Genetics Services, Murdoch Childrens Research Institute
Classification: Pathogenic for Mevalonic aciduria. Last evaluated: 2022-03-31. Review status: criteria provided, single submitter. Criteria: ACMG Guidelines, 2015. Collection method: clinical testing. Allele origin: germline. Inheritance: Autosomal recessive inheritance. Affected: yes.
Comment: Based on the classification scheme VCGS_Germline_v1.3.4, this variant is classified as Pathogenic. Following criteria are met: 0102 - Loss of function is a known mechanism of disease in this gene and is associated with autosomal recessive hyper-IgD syndrome (MIM#260920), mevalonic aciduria (MIM#610377) and autosomal dominant porokeratosis 3, multiple types (MIM#175900) (DECIPHER). (I) 0108 - This gene is associated with both recessive and dominant disease, where the same variants have been reported for both conditions. Autosomal dominant porokeratosis 3, multiple types (MIM#175900) may only manifest due to additional circumstances such as environmental factors (OMIM). (I) 0115 - Variants in this gene are known to have variable expressivity (PMID: 32822427). This gene may be associated with a spectrum of disease, including severe perinatal presentations with hydrops (PMID: 27012807). (I) 0200 - Variant is predicted to result in a missense amino acid change from valine to isoleucine. (I) 0252 - This variant is homozygous. (I) 0304 - Variant is present in gnomAD (v3) <0.01 for a recessive condition (221 heterozygotes, 1 homozygote). (SP) 0504 - Same amino acid change has been observed in placental mammals. (SB) 0604 - Variant is not located in an established domain, motif, hotspot or informative constraint region. (I) 0705 - No comparable missense variants have previous evidence for pathogenicity. (I) 0801 - This variant has strong previous evidence of pathogenicity in unrelated individuals. This is the most common pathogenic variant in the MVK gene and is associated with hyper-IgD syndrome (Infevers database). There are many unrelated patients affected with mevalonate kinase deficiency or hyper-IgD syndrome who were identified as compound heterozygous or homozygous for this variant (ClinVar, PMID: 32822427). (SP) 1001 - This variant has strong functional evidence supporting abnormal protein function. Immunoblot analysis of patient lymphocytes showed minimal MK activity (PMID: 10369261). (I) Legend: (SP) - Supporting pathogenic, (I) - Information, (SB) - Supporting benign

Genome Diagnostics Laboratory, The Hospital for Sick Children
Classification: Pathogenic for Autoinflammatory syndrome. Last evaluated: 2022-03-17. Review status: criteria provided, single submitter. Criteria: ACMG Guidelines, 2015. Collection method: clinical testing. Allele origin: germline. Affected: yes.

Kasturba Medical College, Manipal, Kasturba Medical College, Manipal, Manipal Academy of Higher Education, Manipal, India
Classification: Likely pathogenic for Hyperimmunoglobulin D with periodic fever. Last evaluated: 2022-03-10. Review status: criteria provided, single submitter. Criteria: ACMG Guidelines, 2015. Collection method: clinical testing. Allele origin: germline. Affected: yes.

Department of Human Genetics, Hannover Medical School
Classification: Likely pathogenic for Hyperimmunoglobulin D with periodic fever. Last evaluated: 2021-12-21. Review status: criteria provided, single submitter. Criteria: ACMG Guidelines, 2015. Collection method: clinical testing. Allele origin: germline. Inheritance: Autosomal recessive inheritance. Affected: yes.

Ambry Genetics
Classification: Pathogenic for Inborn genetic diseases. Last evaluated: 2021-07-22. Review status: criteria provided, single submitter. Criteria: Ambry Variant Classification Scheme 2023. Collection method: clinical testing. Allele origin: germline.
Comment: The c.1129G>A (p.V377I) alteration is located in exon 11 (coding exon 10) of the MVK gene. This alteration results from a G to A substitution at nucleotide position 1129, causing the valine (V) at amino acid position 377 to be replaced by an isoleucine (I). Based on the available evidence, this variant is pathogenic for mevalonate kinase deficiency (AR); however, it is unlikely to be causative of MVK-related porokeratosis (AD). Based on data from the Genome Aggregation Database (gnomAD), the MVK c.1129G>A alteration was observed in 0.16% (443/280790) of total alleles studied, with a frequency of 0.24% (303/128360) in the European (non-Finnish) subpopulation. This common mutation has been reported in individuals with clinical and biochemical features consistent with mevalonate kinase deficiency in both the homozygous and compound heterozygous state (Cuisset, 2001; Drenth, 1999; Houten, 1999; Munoz, 2019); however, asymptomatic individuals have also been reported (Lainka, 2012; Messer, 2016). Functional studies showed that this alteration results in reduced enzyme activity (Houten, 1999; Messer, 2016). Based on the available evidence, this alteration is classified as pathogenic.

Institute of Medical Genetics and Applied Genomics, University Hospital Tübingen
Classification: Pathogenic. Last evaluated: 2020-10-23. Review status: criteria provided, single submitter. Criteria: ACMG Guidelines, 2015. Collection method: clinical testing. Allele origin: germline. Inheritance: Autosomal recessive inheritance. Affected: yes.

Baylor Genetics
Classification: Pathogenic for Hyperimmunoglobulin D with periodic fever. Last evaluated: 2020-06-03. Review status: criteria provided, single submitter. Criteria: ACMG Guidelines, 2015. Collection method: clinical testing. Allele origin: unknown. Affected: yes.
Comment: This variant was determined to be pathogenic according to ACMG Guidelines, 2015 [PMID:25741868].

Mendelics
Classification: Pathogenic for Hyperimmunoglobulin D with periodic fever. Last evaluated: 2019-05-28. Review status: criteria provided, single submitter. Criteria: Mendelics Assertion Criteria 2017. Collection method: clinical testing. Allele origin: unknown.

Knight Diagnostic Laboratories, Oregon Health and Sciences University
Classification: Pathogenic for Porokeratosis 3, multiple types. Last evaluated: 2019-04-19. Review status: criteria provided, single submitter. Criteria: ACMG Guidelines, 2015. Collection method: clinical testing. Allele origin: germline. Observed: 1 variant allele.

Centre for Mendelian Genomics, University Medical Centre Ljubljana
Classification: Likely pathogenic for Hyperimmunoglobulin D with periodic fever. Last evaluated: 2019-04-08. Review status: criteria provided, single submitter. Criteria: ACMG Guidelines, 2015. Collection method: clinical testing. Allele origin: unknown. Affected: yes.
Comment: This variant was classified as: Likely pathogenic. The following ACMG criteria were applied in classifying this variant: PS1,PP2,PP3.

Centre for Genomic Medicine, Manchester, Central Manchester University Hospitals
Classification: Pathogenic for Hyperimmunoglobulin D with periodic fever. Last evaluated: 2019-02-01. Review status: criteria provided, single submitter. Criteria: ACMG Guidelines, 2015. Collection method: clinical testing. Allele origin: germline. Affected: yes. Observed: 1 variant allele, 1 compound heterozygote.

Undiagnosed Diseases Network, NIH
Classification: Pathogenic for Hyperimmunoglobulin D with periodic fever. Last evaluated: 2019-01-17. Review status: criteria provided, single submitter. Criteria: ACMG Guidelines, 2015. Collection method: clinical testing. Allele origin: inherited. Inheritance: Autosomal recessive inheritance. Affected: yes. Observed: 1 variant allele, 1 homozygote. Study: Undiagnosed Diseases Network (NIH), UDN.

Fulgent Genetics
Classification: Pathogenic for Porokeratosis 3, disseminated superficial actinic type; Hyperimmunoglobulin D with periodic fever; Mevalonic aciduria. Last evaluated: 2018-10-31. Review status: criteria provided, single submitter. Criteria: ACMG Guidelines, 2015. Collection method: clinical testing. Allele origin: unknown.

Illumina Laboratory Services, Illumina
Classification: Pathogenic for Hyperimmunoglobulin D with periodic fever. Last evaluated: 2017-08-28. Review status: criteria provided, single submitter. Criteria: ICSL Variant Classification Criteria 09 May 2019. Collection method: clinical testing. Allele origin: germline.
Comment: The MVK c.1129G>A (p.Val377Ile) missense variant is very common and occurs in approximately 90% of individuals with hyper IgD syndrome (HIDS) (Messer et al. 2016). Across a selection of the available literature, the p.Val377Ile variant was reported in a total of 28 symptomatic patients with HIDS, including in eight homozygotes, 16 compound heterozygotes, and four heterozygotes in whom a second variant was not identified (Lainka et al. 2012; Parvaneh et al. 2014; Chandrakasan et al. 2014; Moussa et al. 2015; De Pieri et al. 2015; Messer et al. 2016). The p.Val377Ile variant was also reported in five asymptomatic individuals who were either homozygous or compound heterozygous for the variant (Lainka et al. 2012; Messer et al. 2016), though this is consistent with the mild phenotype and reduced penetrance reported by Houten et al. (2003). Control data are not available in these studies, but the variant is reported at a frequency of 0.00221 in the European American population of the Exome Sequencing Project. Based on the collective evidence, the p.Val377Ile variant is classified as pathogenic for hyper IgD syndrome, though many individuals with this variant may present with a mild phenotype or may be asymptomatic. This variant was observed by ICSL as part of a predisposition screen in an ostensibly healthy population.

Eurofins Ntd Llc (ga)
Classification: Pathogenic. Last evaluated: 2017-08-18. Review status: criteria provided, single submitter. Criteria: EGL Classification Definitions 2015. Collection method: clinical testing. Allele origin: germline. Observed: 9 variant alleles, 9 heterozygotes.

Genetic Services Laboratory, University of Chicago
Classification: Pathogenic for Hyper-IgD syndrome. Last evaluated: 2017-04-13. Review status: criteria provided, single submitter. Criteria: ACMG Guidelines, 2015. Collection method: clinical testing. Allele origin: germline. Affected: yes.